The following is an entry in ClinVar:

ClinVar aggregate classification (germline): Pathogenic (3 of 4 stars; one submission).

Conditions:
Phenylketonuria (PKU). Also called: Phenylketonurias; FOLLING DISEASE; Phenylketonuria (PKU); OLIGOPHRENIA PHENYLPYRUVICA. Identifiers: Orphanet 716, MedGen C0031485, MONDO:0009861, OMIM 261600. Disease mechanism: loss of function.

Submission:

ClinGen PAH Variant Curation Expert Panel
Classification: Pathogenic for Phenylketonuria. Last evaluated: 2020-12-08. Review status: reviewed by expert panel. Criteria: ClinGen PAH ACMG Specifications v1. Collection method: curation. Allele origin: germline. Inheritance: Autosomal recessive inheritance.
Comment: The frameshift variant NM_000277.3(PAH):c.750_751del (p.Arg252GlyfsTer30) occurs in exon 7 of 13 and is predicted to result in NMD. The variant is absent from population databases, including gnomAD. One PKU patient has been reported (PMID: 32106880) compound heterozygous for Arg252GlyfsTer30 and Arg158Trp (ClinVar 102693, Pathogenic). In summary, this variant meets criteria to be classified as Pathogenic for PAH. PAH-specific ACMG/AMP criteria applied: PVS1, PM2, PM3_supporting, PP4.

NM_000277.3(PAH):c.753_754del (p.Arg252fs)

Gene: PAH (phenylalanine hydroxylase; minus strand). Cytogenetic location: 12q23.2.
Variant type: Microsatellite.
Coding change: c.753_754del on transcript NM_000277.3 (MANE Select); coding-DNA positions 753 to 754, 2 bases deleted (TC; older notation c.753_754delTC).
Protein change: p.Arg252fs; shifts the reading frame from arginine 252.
Molecular consequence: frameshift variant.
Genome position (GRCh38, 1-based): chr12:102,852,903-102,852,904, GA deleted on the plus strand (TC on the coding strand, the reverse complement: PAH is on the minus strand); deleting any 2 consecutive bases within chr12:102,852,903-102,852,907 gives the same sequence; the c. name uses the placement nearest the transcript's 3' end. VCF-style (leftmost placement, unchanged base first): chr12-102852902-CGA-C. GRCh37 (hg19) VCF-style: chr12-103246680-CGA-C.
Other names: NM_001354304.2:c.750_751del; c.753_754del, p.Arg252fs (NM_001354304.2); short protein forms R252fs.
Identifiers: ClinVar variation 1693230 (VCV001693230.1), dbSNP rs2136646297, ClinGen allele CA16020852.